The following is an entry in ClinVar:

NM_015047.3(EMC1):c.2479C>T (p.Arg827Cys)

Genes: EMC1 (ER membrane protein complex subunit 1; minus strand), EMC1-AS1 (EMC1 antisense RNA 1; plus strand). Cytogenetic location: 1p36.13.
Variant type: single nucleotide variant.
Coding change: c.2479C>T on transcript NM_015047.3 (MANE Select); coding-DNA position 2479, C replaced by T.
Protein change: p.Arg827Cys; replaces arginine 827 with cysteine.
Molecular consequence: missense variant.
Genome position (GRCh38, 1-based): chr1:19,222,732, G>A on the plus strand (C>T on the coding strand, the complement: EMC1 is on the minus strand). VCF-style: chr1-19222732-G-A. GRCh37 (hg19) VCF-style: chr1-19549226-G-A.
Other names: c.2476C>T, p.Arg826Cys (NM_001271427.2, NM_001271428.2); c.2413C>T, p.Arg805Cys (NM_001271429.2); c.2488C>T, p.Arg830Cys (NM_001375820.1); c.2485C>T, p.Arg829Cys (NM_001375821.1); short protein forms R805C, R827C, R826C, R829C, R830C.
Identifiers: ClinVar variation 1377779 (VCV001377779.8), dbSNP rs563968339, ClinGen allele CA652265.

ClinVar aggregate classification (germline): Uncertain significance (1 of 4 stars; one submission).

Allele frequency attached by ClinVar (database versions not stated): gnomAD 0.00001; TOPMed 0.00001; gnomAD exomes 0.00002 and 0.00004; ExAC 0.00007; 1000 Genomes Project 0.00020; 1000 Genomes Project 30x 0.00031.
gnomAD v4.1: 36 of 1,614,152 alleles (0.0022%); highest among the groups gnomAD compares: Non-Finnish European, 0.0023%; 1 homozygote.

Submission:

Labcorp Genetics (formerly Invitae), Labcorp
Classification: Uncertain significance. Last evaluated: 2025-10-02. Review status: criteria provided, single submitter. Criteria: Invitae Variant Classification Sherloc (09022015). Collection method: clinical testing. Allele origin: germline.
Comment: This sequence change replaces arginine, which is basic and polar, with cysteine, which is neutral and slightly polar, at codon 827 of the EMC1 protein (p.Arg827Cys). This variant is present in population databases (rs563968339, gnomAD 0.007%). This variant has not been reported in the literature in individuals affected with EMC1-related conditions. ClinVar contains an entry for this variant (Variation ID: 1377779). Invitae Evidence Modeling of protein sequence and biophysical properties (such as structural, functional, and spatial information, amino acid conservation, physicochemical variation, residue mobility, and thermodynamic stability) indicates that this missense variant is expected to disrupt EMC1 protein function with a positive predictive value of 80%. In summary, the available evidence is currently insufficient to determine the role of this variant in disease. Therefore, it has been classified as a Variant of Uncertain Significance.